The following is an entry in ClinVar:

ClinVar aggregate classification (germline): Pathogenic/Likely pathogenic. Review status: criteria provided, multiple submitters, no conflicts (2 of 4 stars). 6 submissions from 6 submitters: Pathogenic (4); Likely pathogenic (1). 1 of the submissions does not count toward it. Last evaluated 2025-01-16.

Conditions:
Bardet-Biedl syndrome 20. Identifiers: MedGen C4310707, MONDO:0023670, OMIM 619471, MONDO:0014926.
Retinitis pigmentosa 71 (RP71). Identifiers: Orphanet 791, MedGen C4225342, MONDO:0014618, OMIM 616394.
Short-rib thoracic dysplasia 10 with or without polydactyly (SRTD10). Identifiers: Orphanet 474, MedGen C3810175, MONDO:0014284, OMIM 615630.
IFT172-related disorder. Also called: IFT172-related condition; IFT172-related disorders.
Short-rib thoracic dysplasia 10 without polydactyly. Identifiers: MedGen C4017084.

Submissions (6):

PreventionGenetics, part of Exact Sciences
Classification: Pathogenic for IFT172-related condition. Last evaluated: 2025-01-16. Review status: criteria provided, single submitter. Criteria: ACMG Guidelines, 2015. Collection method: clinical testing. Allele origin: germline.
Comment: The IFT172 c.2158delC variant is predicted to result in a frameshift and premature protein termination (p.Arg720Valfs*28). This variant was reported in an individual with asphyxiating thoracic dystrophy (Halbritter et al. 2013. PubMed ID: 24140113). This variant is reported in 0.00088% of alleles in individuals of European (Non-Finnish) descent in gnomAD. Frameshift variants in IFT172 are expected to be pathogenic. This variant is interpreted as pathogenic.

Labcorp Genetics (formerly Invitae), Labcorp
Classification: Pathogenic for Retinitis pigmentosa 71; Short-rib thoracic dysplasia 10 with or without polydactyly. Last evaluated: 2023-08-30. Review status: criteria provided, single submitter. Criteria: Invitae Variant Classification Sherloc (09022015). Collection method: clinical testing. Allele origin: germline.
Comment: This sequence change creates a premature translational stop signal (p.Arg720Valfs*28) in the IFT172 gene. It is expected to result in an absent or disrupted protein product. Loss-of-function variants in IFT172 are known to be pathogenic (PMID: 24140113). This variant is present in population databases (no rsID available, gnomAD 0.0009%). This premature translational stop signal has been observed in individual(s) with short-rib thoracic dysplasia (PMID: 24140113). ClinVar contains an entry for this variant (Variation ID: 97032). For these reasons, this variant has been classified as Pathogenic.

Fulgent Genetics
Classification: Pathogenic for Short-rib thoracic dysplasia 10 with or without polydactyly; Retinitis pigmentosa 71; Bardet-Biedl syndrome 20. Last evaluated: 2022-02-04. Review status: criteria provided, single submitter. Criteria: ACMG Guidelines, 2015. Collection method: clinical testing. Allele origin: unknown.

Revvity Omics, Revvity
Classification: Pathogenic. Last evaluated: 2021-12-06. Review status: criteria provided, single submitter. Criteria: ACMG Guidelines, 2015. Collection method: clinical testing. Allele origin: germline.

Ocular Genomics Institute, Massachusetts Eye and Ear
Classification: Likely pathogenic for Retinitis pigmentosa 71. Last evaluated: 2021-04-08. Review status: criteria provided, single submitter. Criteria: ACMG Guidelines, 2015. Collection method: research. Allele origin: germline. Affected: yes.
Comment: Through a review of available evidence we were able to apply the following criteria: PVS1, PM2. Based on this evidence we have classified this variant as Likely Pathogenic.

OMIM
Classification: Pathogenic for SHORT-RIB THORACIC DYSPLASIA 10 WITHOUT POLYDACTYLY. Last evaluated: 2013-11-07. Review status: no assertion criteria provided. Collection method: literature only. Allele origin: germline. Not counted in ClinVar's aggregate classification.

Literature cited by the submitters: PubMed 24140113 (cited by 3 submitters).

NM_015662.3(IFT172):c.2158del (p.Arg720fs)

Gene: IFT172 (intraflagellar transport 172; minus strand). Cytogenetic location: 2p23.3.
Variant type: Deletion.
Coding change: c.2158del on transcript NM_015662.3 (MANE Select); coding-DNA position 2158, one base deleted (C; older notation c.2158delC).
Protein change: p.Arg720fs; shifts the reading frame from arginine 720.
Molecular consequence: frameshift variant.
Genome position (GRCh38, 1-based): chr2:27,461,794, G deleted on the plus strand (C on the coding strand, the reverse complement: IFT172 is on the minus strand); the first of 2 consecutive G bases (chr2:27,461,794-27,461,795); deleting either gives the same sequence. VCF-style (leftmost placement, unchanged base first): chr2-27461793-CG-C. GRCh37 (hg19) VCF-style: chr2-27684660-CG-C.
Other names: c.2158delC (NM_015662.2); c.2158del (NM_015662.1); short protein forms R720fs.
Identifiers: ClinVar variation 97032 (VCV000097032.14), dbSNP rs587777086, ClinGen allele CA149734.